The following is an entry in ClinVar:

NM_001379081.2(FREM1):c.-396C>T

Gene: FREM1 (FRAS1 related extracellular matrix 1; minus strand). Cytogenetic location: 9p22.3.
Variant type: single nucleotide variant.
Coding change: c.-396C>T on transcript NM_001379081.2 (MANE Select); 396 bases upstream of the start codon, C replaced by T.
Molecular consequence: 5 prime UTR variant. On other transcripts: non-coding transcript variant (3), intron variant (1).
Genome position (GRCh38, 1-based): chr9:14,910,042, G>A on the plus strand (C>T on the coding strand, the complement: FREM1 is on the minus strand). VCF-style: chr9-14910042-G-A. GRCh37 (hg19) VCF-style: chr9-14910040-G-A.
Other names: c.-396C>T (NM_001370060.1, NM_001370063.1, NM_144966.7); c.-268+80C>T (NM_001370065.1).
Identifiers: ClinVar variation 366188 (VCV000366188.5), dbSNP rs143700147, ClinGen allele CA10633499.

ClinVar aggregate classification (germline): Likely benign (1 of 4 stars; one submission).

Conditions:
Oculotrichoanal syndrome (MOTA). Also called: MARLES SYNDROME; Manitoba Oculotrichoanal (MOTA) Syndrome. Identifiers: Orphanet 2717, MedGen C1855425, MONDO:0009560, OMIM 248450.

Allele frequency attached by ClinVar (database versions not stated): TOPMed 0.00005; gnomAD 0.00006 and 0.00021; 1000 Genomes Project 30x 0.00047; 1000 Genomes Project 0.00060.

Submission:

Illumina Laboratory Services, Illumina
Classification: Likely benign for Oculotrichoanal syndrome. Last evaluated: 2018-01-13. Review status: criteria provided, single submitter. Criteria: ICSL Variant Classification Criteria 13 December 2019. Collection method: clinical testing. Allele origin: germline.
Comment: This variant was observed in the ICSL laboratory as part of a predisposition screen in an ostensibly healthy population. It had not been previously curated by ICSL or reported in the Human Gene Mutation Database (HGMD: prior to June 1st, 2018), and was therefore a candidate for classification through an automated scoring system. Utilizing variant allele frequency, disease prevalence and penetrance estimates, and inheritance mode, an automated score was calculated to assess if this variant is too frequent to cause the disease. Based on the score and internal cut-off values, a variant classified as likely benign is not then subjected to further curation. The score for this variant resulted in a classification of likely benign for this disease.